The following is an entry in ClinVar:

NM_003900.5(SQSTM1):c.979dup (p.Glu327fs)

Gene: SQSTM1 (sequestosome 1; plus strand). Cytogenetic location: 5q35.3.
Variant type: Duplication.
Coding change: c.979dup on transcript NM_003900.5 (MANE Select); coding-DNA position 979, one base duplicated (G; older notation c.979dupG).
Protein change: p.Glu327fs; shifts the reading frame from glutamic acid 327.
Molecular consequence: frameshift variant.
Genome position (GRCh38, 1-based): chr5:179,833,596, G duplicated; the last of 2 consecutive G bases (chr5:179,833,595-179,833,596); duplicating either gives the same sequence. VCF-style (leftmost placement, unchanged base first): chr5-179833594-T-TG. GRCh37 (hg19) VCF-style: chr5-179260594-T-TG.
Other names: c.727dup, p.Glu243fs (NM_001142298.2, NM_001142299.2); short protein forms E327fs, E243fs.
Identifiers: ClinVar variation 1962648 (VCV001962648.5), dbSNP rs2113512406, ClinGen allele CA2580074144.

ClinVar aggregate classification (germline): Pathogenic (1 of 4 stars; one submission).

Conditions:
Frontotemporal dementia and/or amyotrophic lateral sclerosis 1 (FTDALS1). Also called: Frontotemporal dementia with motor neuron disease 1; C9orf72 Frontotemporal Dementia and/or Amyotrophic Lateral Sclerosis. Identifiers: Orphanet 275872, MedGen C5779877, MONDO:0007105, OMIM 105550.
Paget disease of bone 2, early-onset (PDB2). Also called: Paget disease of bone 2. Identifiers: MedGen C4085251, MONDO:0011183, OMIM 602080.

Submission:

Labcorp Genetics (formerly Invitae), Labcorp
Classification: Pathogenic for Paget disease of bone 2, early-onset; Frontotemporal dementia and/or amyotrophic lateral sclerosis 1. Last evaluated: 2022-01-03. Review status: criteria provided, single submitter. Criteria: Invitae Variant Classification Sherloc (09022015). Collection method: clinical testing. Allele origin: germline.
Comment: This variant has not been reported in the literature in individuals affected with SQSTM1-related conditions. For these reasons, this variant has been classified as Pathogenic. This variant is not present in population databases (gnomAD no frequency). This sequence change creates a premature translational stop signal (p.Glu327Glyfs*4) in the SQSTM1 gene. It is expected to result in an absent or disrupted protein product. Loss-of-function variants in SQSTM1 are known to be pathogenic (PMID: 27545679, 29959261).

Literature cited by the submitters: PubMed 27545679; PubMed 29959261.